The following is an entry in ClinVar:

NM_000334.4(SCN4A):c.5218C>T (p.Arg1740Trp)

Genes: GH-LCR (growth hormone locus control region; plus strand), SCN4A (sodium voltage-gated channel alpha subunit 4; minus strand). Cytogenetic location: 17q23.3.
Variant type: single nucleotide variant.
Coding change: c.5218C>T on transcript NM_000334.4 (MANE Select); coding-DNA position 5218, C replaced by T.
Protein change: p.Arg1740Trp; replaces arginine 1740 with tryptophan.
Molecular consequence: missense variant.
Genome position (GRCh38, 1-based): chr17:63,941,064, G>A on the plus strand (C>T on the coding strand, the complement: SCN4A is on the minus strand). VCF-style: chr17-63941064-G-A. GRCh37 (hg19) VCF-style: chr17-62018424-G-A.
Other names: short protein forms R1740W.
Identifiers: ClinVar variation 1007765 (VCV001007765.20), dbSNP rs373804267, ClinGen allele CA8708812.

ClinVar aggregate classification (germline): Uncertain significance. Review status: criteria provided, multiple submitters, no conflicts (2 of 4 stars). 5 submissions from 5 submitters: Uncertain significance (3). 2 of the submissions do not count toward it. Last evaluated 2026-01-19.

Conditions:
Potassium-aggravated myotonia. Also called: Myotonia congenita, atypical, acetazolamide-responsive; MYOTONIA CONGENITA, ACETAZOLAMIDE-RESPONSIVE; MYOTONIA CONGENITA, ATYPICAL; SODIUM CHANNEL MUSCLE DISEASE. Identifiers: Orphanet 612, Orphanet 99734, Orphanet 99735, Orphanet 99736, MedGen C2931826, MONDO:0018959, OMIM 608390.
Congenital myasthenic syndrome 16. Identifiers: Orphanet 590, MedGen C3280112, MONDO:0013620, OMIM 614198.
Paramyotonia congenita of Von Eulenburg. Also called: Paramyotonia Congenita; PARALYSIS PERIODICA PARAMYOTONICA; Eulenburg disease; Myotonia congenita intermittens; Von Eulenburg paramyotonia congenita. Identifiers: Orphanet 684, MedGen C0221055, MONDO:0008195, OMIM 168300. Disease mechanism: loss of function.
Hypokalemic periodic paralysis, type 2 (HOKPP2). Identifiers: Orphanet 681, MedGen C2750061, MONDO:0013234, OMIM 613345.
Hypokalemic periodic paralysis, type 1. Also called: Hypokalemic Periodic Paralysis Type 1 (AD); HypoPP. Identifiers: Orphanet 681, MedGen C3714580, MONDO:0042979, OMIM 170400.
Hyperkalemic periodic paralysis. Also called: Familial hyperkalemic periodic paralysis; Gamstorp disease. Identifiers: Orphanet 682, MedGen C0238357, MONDO:0008224, OMIM 170500, HP:0007215.

Allele frequency attached by ClinVar (database versions not stated): gnomAD 0.00005 and 0.00006; ESP Exome Variant Server 0.00008; TOPMed 0.00005; ExAC 0.00007.
gnomAD v4.1: 54 of 1,613,876 alleles (0.0033%); highest among the groups gnomAD compares: African/African-American, 0.004%; no homozygotes.

Submissions (5):

Labcorp Genetics (formerly Invitae), Labcorp
Classification: Uncertain significance for Hyperkalemic periodic paralysis. Last evaluated: 2026-01-19. Review status: criteria provided, single submitter. Criteria: Invitae Variant Classification Sherloc (09022015). Collection method: clinical testing. Allele origin: germline.
Comment: This sequence change replaces arginine, which is basic and polar, with tryptophan, which is neutral and slightly polar, at codon 1740 of the SCN4A protein (p.Arg1740Trp). This variant is present in population databases (rs373804267, gnomAD 0.01%). This variant has not been reported in the literature in individuals affected with SCN4A-related conditions. ClinVar contains an entry for this variant (Variation ID: 1007765). Invitae Evidence Modeling of protein sequence and biophysical properties (such as structural, functional, and spatial information, amino acid conservation, physicochemical variation, residue mobility, and thermodynamic stability) indicates that this missense variant is not expected to disrupt SCN4A protein function with a negative predictive value of 95%. In summary, the available evidence is currently insufficient to determine the role of this variant in disease. Therefore, it has been classified as a Variant of Uncertain Significance.

Fulgent Genetics
Classification: Uncertain significance for Paramyotonia congenita of Von Eulenburg; Hypokalemic periodic paralysis, type 1; Hyperkalemic periodic paralysis; Potassium-aggravated myotonia; Hypokalemic periodic paralysis, type 2; Congenital myasthenic syndrome 16. Last evaluated: 2022-02-07. Review status: criteria provided, single submitter. Criteria: ACMG Guidelines, 2015. Collection method: clinical testing. Allele origin: unknown.

Genetics and Molecular Pathology, SA Pathology
Classification: Uncertain significance for Paramyotonia congenita of Von Eulenburg. Last evaluated: 2021-12-01. Review status: criteria provided, single submitter. Criteria: ACMG Guidelines, 2015. Collection method: clinical testing. Allele origin: germline. Inheritance: Autosomal dominant inheritance. Affected: yes.

Genome Diagnostics Laboratory, Amsterdam University Medical Center
Classification: Uncertain significance. Review status: no assertion criteria provided. Collection method: clinical testing. Allele origin: germline. Affected: yes. Study: VKGL Data-share Consensus. Not counted in ClinVar's aggregate classification.

Joint Genome Diagnostic Labs from Nijmegen and Maastricht, Radboudumc and MUMC+
Classification: Uncertain significance. Review status: no assertion criteria provided. Collection method: clinical testing. Allele origin: germline. Affected: yes. Study: VKGL Data-share Consensus. Not counted in ClinVar's aggregate classification.